The following is an entry in ClinVar:

NM_005654.6(NR2F1):c.674G>C (p.Arg225Pro)

Gene: NR2F1 (nuclear receptor subfamily 2 group F member 1; plus strand). Cytogenetic location: 5q15.
Variant type: single nucleotide variant.
Coding change: c.674G>C on transcript NM_005654.6 (MANE Select); coding-DNA position 674, G replaced by C.
Protein change: p.Arg225Pro; replaces arginine 225 with proline.
Molecular consequence: missense variant.
Genome position (GRCh38, 1-based): chr5:93,588,127, G>C. VCF-style: chr5-93588127-G-C. GRCh37 (hg19) VCF-style: chr5-92923833-G-C.
Other names: c.224G>C, p.Arg75Pro (NM_001410754.1); short protein forms R225P, R75P.
Identifiers: ClinVar variation 1803584 (VCV001803584.2), dbSNP rs2480808809, ClinGen allele CA360526834.

ClinVar aggregate classification (germline): Uncertain significance. Review status: criteria provided, multiple submitters, no conflicts (2 of 4 stars). 2 submissions from 2 submitters: Uncertain significance (2). Last evaluated 2023-12-06.

Conditions:
Bosch-Boonstra-Schaaf optic atrophy syndrome (BBSOAS). Also called: NR2F1-Related Neurodevelopmental Disorder. Identifiers: Orphanet 401777, MedGen C3810363, MONDO:0014320, OMIM 615722.

Submissions (2):

3billion
Classification: Uncertain significance for Bosch-Boonstra-Schaaf optic atrophy syndrome. Last evaluated: 2023-12-06. Review status: criteria provided, single submitter. Criteria: ACMG Guidelines, 2015. Collection method: clinical testing. Allele origin: germline. Affected: yes.
Comment: The variant is not observed in the gnomAD v2.1.1 dataset. Predicted Consequence/Location: Missense variant In silico tool predictions suggest damaging effect of the variant on gene or gene product [REVEL: 0.89 (>=0.6, sensitivity 0.68 and specificity 0.92)]. Therefore, this variant is classified as VUS according to the recommendation of ACMG/AMP guideline.

GeneDx
Classification: Uncertain significance. Last evaluated: 2022-06-12. Review status: criteria provided, single submitter. Criteria: GeneDx Variant Classification Process June 2021. Collection method: clinical testing. Allele origin: germline. Affected: yes.
Comment: Not observed at significant frequency in large population cohorts (gnomAD); In silico analysis supports that this missense variant has a deleterious effect on protein structure/function; Has not been previously published as pathogenic or benign to our knowledge; This variant is associated with the following publications: (PMID: 26986877)